The following is an entry in ClinVar:

NM_001267550.2(TTN):c.88736T>C (p.Val29579Ala)

Genes: TTN (titin; minus strand), TTN-AS1 (TTN antisense RNA 1; plus strand). Cytogenetic location: 2q31.2.
Variant type: single nucleotide variant.
Coding change: c.88736T>C on transcript NM_001267550.2 (MANE Select); coding-DNA position 88736, T replaced by C.
Protein change: p.Val29579Ala; replaces valine 29579 with alanine.
Molecular consequence: missense variant.
Genome position (GRCh38, 1-based): chr2:178,554,611, A>G on the plus strand (T>C on the coding strand, the complement: TTN is on the minus strand). VCF-style: chr2-178554611-A-G. GRCh37 (hg19) VCF-style: chr2-179419338-A-G.
Other names: c.83813T>C, p.Val27938Ala (NM_001256850.1); c.61541T>C, p.Val20514Ala (NM_003319.4); c.81032T>C, p.Val27011Ala (NM_133378.4); c.61916T>C, p.Val20639Ala (NM_133432.3); c.62117T>C, p.Val20706Ala (NM_133437.4); short protein forms V20514A, V20639A, V20706A, V27011A, V27938A, V29579A.
Identifiers: ClinVar variation 3064011 (VCV003064011.1), dbSNP rs777595903, ClinGen allele CA1988092.

ClinVar aggregate classification (germline): Uncertain significance (1 of 4 stars; one submission).

Allele frequency attached by ClinVar (database versions not stated): ExAC 0.00001; gnomAD 0.00001; TOPMed 0.00001.
gnomAD v4.1: 2 of 1,613,704 alleles (0.00012%); highest among the groups gnomAD compares: Non-Finnish European, 0.00017%; no homozygotes.

Submission:

Women's Health and Genetics/Laboratory Corporation of America, LabCorp
Classification: Uncertain significance. Last evaluated: 2024-01-19. Review status: criteria provided, single submitter. Criteria: LabCorp Variant Classification Summary - May 2015. Collection method: clinical testing. Allele origin: germline.
Comment: Variant summary: TTN c.81032T>C (p.Val27011Ala) results in a non-conservative amino acid change located in the A-band region of the encoded protein sequence. Three of four in-silico tools predict a damaging effect of the variant on protein function. The variant allele was found at a frequency of 4e-06 in 248744 control chromosomes. The available data on variant occurrences in the general population are insufficient to allow any conclusion about variant significance. To our knowledge, no occurrence of c.81032T>C in individuals affected with Limb-Girdle Muscular Dystrophy, Type 2J and no experimental evidence demonstrating its impact on protein function have been reported. No submitters have cited clinical-significance assessments for this variant to ClinVar. Based on the evidence outlined above, the variant was classified as uncertain significance.